The following is an entry in ClinVar:

ClinVar aggregate classification (germline): Likely benign. Review status: criteria provided, multiple submitters, no conflicts (2 of 4 stars). 5 submissions from 4 submitters: Likely benign (5). Last evaluated 2025-11-13.

Conditions:
Familial thoracic aortic aneurysm and aortic dissection (TAAD). Also called: Thoracic aortic aneurysms and dissections. Identifiers: Orphanet 91387, MedGen C4707243, MONDO:0019625.
Aortic valve disease 1 (AOVD1). Identifiers: MedGen C3887892, MONDO:0024523, OMIM 109730.
Adams-Oliver syndrome 5 (AOS5). Identifiers: Orphanet 974, MedGen C4014970, MONDO:0014459, OMIM 616028.

Allele frequency attached by ClinVar (database versions not stated): ExAC 0.00001; gnomAD exomes 0.00001; gnomAD 0.00006; TOPMed 0.00006.
gnomAD v4.1: 19 of 1,612,716 alleles (0.0012%); highest among the groups gnomAD compares: African/African-American, 0.017%; no homozygotes.

Submissions (5):

Labcorp Genetics (formerly Invitae), Labcorp
Classification: Likely benign for Adams-Oliver syndrome 5. Last evaluated: 2025-11-13. Review status: criteria provided, single submitter. Criteria: Invitae Variant Classification Sherloc (09022015). Collection method: clinical testing. Allele origin: germline.

Ambry Genetics
Classification: Likely benign for Familial thoracic aortic aneurysm and aortic dissection. Last evaluated: 2022-10-17. Review status: criteria provided, single submitter. Criteria: Ambry Variant Classification Scheme 2023. Collection method: clinical testing. Allele origin: germline.

Genome-Nilou Lab
Classification: Likely benign for Adams-Oliver syndrome 5. Last evaluated: 2022-03-15. Review status: criteria provided, single submitter. Criteria: ACMG Guidelines, 2015. Collection method: clinical testing. Allele origin: germline. Affected: no.

Genome-Nilou Lab
Classification: Likely benign for Aortic valve disease 1. Last evaluated: 2022-03-15. Review status: criteria provided, single submitter. Criteria: ACMG Guidelines, 2015. Collection method: clinical testing. Allele origin: germline. Affected: no.

GeneDx
Classification: Likely benign. Last evaluated: 2017-11-07. Review status: criteria provided, single submitter. Criteria: GeneDx Variant Classification (06012015). Collection method: clinical testing. Allele origin: germline. Affected: yes.
Comment: This variant is considered likely benign or benign based on one or more of the following criteria: it is a conservative change, it occurs at a poorly conserved position in the protein, it is predicted to be benign by multiple in silico algorithms, and/or has population frequency not consistent with disease.

NM_017617.5(NOTCH1):c.5118C>T (p.Leu1706=)

Gene: NOTCH1 (notch receptor 1; minus strand). Cytogenetic location: 9q34.3.
Variant type: single nucleotide variant.
Coding change: c.5118C>T on transcript NM_017617.5 (MANE Select); coding-DNA position 5118, C replaced by T.
Protein change: p.Leu1706=; no amino-acid change (leucine 1706 retained).
Molecular consequence: synonymous variant.
Genome position (GRCh38, 1-based): chr9:136,503,231, G>A on the plus strand (C>T on the coding strand, the complement: NOTCH1 is on the minus strand). VCF-style: chr9-136503231-G-A. GRCh37 (hg19) VCF-style: chr9-139397683-G-A.
Other names: c.5118C>T, p.Leu1706= (LRG_1122t1).
Identifiers: ClinVar variation 513116 (VCV000513116.11), dbSNP rs747037396, ClinGen allele CA5340440.